The following is an entry in ClinVar:

ClinVar aggregate classification (germline): Conflicting classifications of pathogenicity. Review status: criteria provided, conflicting classifications (1 of 4 stars). 2 submissions from 2 submitters: Likely pathogenic (1); Uncertain significance (1). Last evaluated 2024-06-28.

Conditions:
Gaucher disease. Also called: Acute cerebral Gaucher disease; Cerebroside lipidosis syndrome; Gaucher splenomegaly; Sphingolipidosis 1; Glucocerebrosidosis; Glucosylceramidase deficiency. Identifiers: Orphanet 355, MedGen C0017205, MONDO:0018150.

Submissions (2):

Women's Health and Genetics/Laboratory Corporation of America, LabCorp
Classification: Uncertain significance. Last evaluated: 2024-06-28. Review status: criteria provided, single submitter. Criteria: LabCorp Variant Classification Summary - May 2015. Collection method: clinical testing. Allele origin: germline.
Comment: Variant summary: GBA1 c.226T>G (p.Phe76Val) results in a non-conservative amino acid change in the encoded protein sequence. Four of five in-silico tools predict a damaging effect of the variant on protein function. The variant was absent in 1614108 control chromosomes. c.226T>G has been reported in the literature in an homozygous individual affected with Gaucher Disease without clinical specifity and in an individual who also heterozygous for a well-known pathogenic variant (p.Leu483Pro) but the phase of the two variants were not determined (Choy_1997, Chen_2022). This variant has also been reported in the literature in a homozygous and heteozygous individuals affected with early onset Parkinson disease (Chen_2020, Sun_2023, Zhou_2023). These reports do not provide unequivocal conclusions about association of the variant with Gaucher Disease. To our knowledge, no experimental evidence demonstrating an impact on protein function has been reported. The following publications have been ascertained in the context of this evaluation (PMID: 35861376, 32677286, 9217217, 37198191, 37658046). No submitters have cited clinical-significance assessments for this variant to ClinVar. Based on the evidence outlined above, the variant was classified as uncertain significance.

Natera, Inc.
Classification: Likely pathogenic for Gaucher disease. Last evaluated: 2024-04-23. Review status: criteria provided, single submitter. Criteria: Natera Variant Classification Schema (03/2026). Collection method: clinical testing. Allele origin: germline.
Comment: The c.226T>G variant in GBA1 is a missense variant predicted to cause substitution of phenylalanine to valine at amino acid 76. This variant is rare in the general population with a frequency below the threshold expected for the associated phenotype(s). This variant has been observed in one or more individuals affected with the associated recessive disease, as either homozygous or compound heterozygous with a second variant (PMID: 32165122, 27865684, 9217217). Computational prediction algorithms indicate this variant is likely to affect gene or protein function. Given the available evidence, this variant is classified as Likely Pathogenic.

Literature cited by the submitters: PubMed 32677286 (cited by Women's Health and Genetics/Laboratory Corporation of America, LabCorp); PubMed 35861376 (cited by Women's Health and Genetics/Laboratory Corporation of America, LabCorp); PubMed 37198191 (cited by Women's Health and Genetics/Laboratory Corporation of America, LabCorp); PubMed 9217217 (cited by Women's Health and Genetics/Laboratory Corporation of America, LabCorp and Natera, Inc.); PubMed 37658046 (cited by Women's Health and Genetics/Laboratory Corporation of America, LabCorp); PubMed 32165122 (cited by Natera, Inc.); PubMed 27865684 (cited by Natera, Inc.).

NM_000157.4(GBA1):c.226T>G (p.Phe76Val)

Genes: GBA1 (glucosylceramidase beta 1; minus strand), LOC106627981 (GBA recombination region; plus strand). Cytogenetic location: 1q22.
Variant type: single nucleotide variant.
Coding change: c.226T>G on transcript NM_000157.4 (MANE Select); coding-DNA position 226, T replaced by G.
Protein change: p.Phe76Val; replaces phenylalanine 76 with valine.
Molecular consequence: missense variant. On other transcripts: 5 prime UTR variant (1).
Genome position (GRCh38, 1-based): chr1:155,239,967, A>C on the plus strand (T>G on the coding strand, the complement: GBA1 is on the minus strand). VCF-style: chr1-155239967-A-C. GRCh37 (hg19) VCF-style: chr1-155209758-A-C.
Other names: c.226T>G (NM_000157.3); c.226T>G, p.Phe76Val (NM_001005741.3, NM_001005742.3, NM_001171812.2); c.-36T>G (NM_001171811.2); short protein forms F76V.
Identifiers: ClinVar variation 3339816 (VCV003339816.2).